The following is an entry in ClinVar:

ClinVar aggregate classification (germline): Uncertain significance. Review status: criteria provided, multiple submitters, no conflicts (2 of 4 stars). 2 submissions from 2 submitters: Uncertain significance (2). Last evaluated 2025-10-15.

Conditions:
Inborn genetic diseases. Identifiers: MedGen C0950123, MeSH D030342.

Allele frequency attached by ClinVar (database versions not stated): ExAC 0.00008; gnomAD exomes 0.00005; gnomAD 0.00013 and 0.00011; TOPMed 0.00014.
gnomAD v4.1: 233 of 1,612,106 alleles (0.014%); highest among the groups gnomAD compares: Non-Finnish European, 0.018%; no homozygotes.

Submissions (2):

Ambry Genetics
Classification: Uncertain significance for Inborn genetic diseases. Last evaluated: 2025-10-15. Review status: criteria provided, single submitter. Criteria: Ambry Variant Classification Scheme 2023. Collection method: clinical testing. Allele origin: germline.

Labcorp Genetics (formerly Invitae), Labcorp
Classification: Uncertain significance. Last evaluated: 2022-07-30. Review status: criteria provided, single submitter. Criteria: Invitae Variant Classification Sherloc (09022015). Collection method: clinical testing. Allele origin: germline.
Comment: This variant is present in population databases (rs745483908, gnomAD 0.009%). This sequence change replaces leucine, which is neutral and non-polar, with phenylalanine, which is neutral and non-polar, at codon 460 of the FAM20A protein (p.Leu460Phe). This variant has not been reported in the literature in individuals affected with FAM20A-related conditions. In summary, the available evidence is currently insufficient to determine the role of this variant in disease. Therefore, it has been classified as a Variant of Uncertain Significance. Algorithms developed to predict the effect of missense changes on protein structure and function (SIFT, PolyPhen-2, Align-GVGD) all suggest that this variant is likely to be tolerated. ClinVar contains an entry for this variant (Variation ID: 962038).

NM_017565.4(FAM20A):c.1378C>T (p.Leu460Phe)

Genes: FAM20A (FAM20A golgi associated secretory pathway pseudokinase; minus strand), PRKAR1A (protein kinase cAMP-dependent type I regulatory subunit alpha; plus strand). Cytogenetic location: 17q24.2.
Variant type: single nucleotide variant.
Coding change: c.1378C>T on transcript NM_017565.4 (MANE Select); coding-DNA position 1378, C replaced by T.
Protein change: p.Leu460Phe; replaces leucine 460 with phenylalanine.
Molecular consequence: missense variant. On other transcripts: non-coding transcript variant (1), intron variant (1).
Genome position (GRCh38, 1-based): chr17:68,537,725, G>A on the plus strand (C>T on the coding strand, the complement: FAM20A is on the minus strand). VCF-style: chr17-68537725-G-A. GRCh37 (hg19) VCF-style: chr17-66533866-G-A.
Other names: c.964C>T, p.Leu322Phe (NM_001243746.2); c.973+7724G>A (NM_001276290.1); short protein forms L460F, L322F.
Identifiers: ClinVar variation 962038 (VCV000962038.10), dbSNP rs745483908, ClinGen allele CA8729664.